The following is an entry in ClinVar:

NM_001013703.4(EIF2AK4):c.2767-7C>G

Gene: EIF2AK4 (eukaryotic translation initiation factor 2 alpha kinase 4; plus strand). Cytogenetic location: 15q15.1.
Variant type: single nucleotide variant.
Coding change: c.2767-7C>G on transcript NM_001013703.4 (MANE Select); 7 bases into the intron before coding-DNA position 2767, C replaced by G.
Molecular consequence: intron variant.
Genome position (GRCh38, 1-based): chr15:39,996,957, C>G. VCF-style: chr15-39996957-C-G. GRCh37 (hg19) VCF-style: chr15-40289158-C-G.
Identifiers: ClinVar variation 4761135 (VCV004761135.1).

ClinVar aggregate classification (germline): Uncertain significance (1 of 4 stars; one submission).

gnomAD v4.1: 35 of 1,587,720 alleles (0.0022%); highest among the groups gnomAD compares: Non-Finnish European, 0.0029%; no homozygotes.

Submission:

Labcorp Genetics (formerly Invitae), Labcorp
Classification: Uncertain significance. Last evaluated: 2025-11-08. Review status: criteria provided, single submitter. Criteria: Invitae Variant Classification Sherloc (09022015). Collection method: clinical testing. Allele origin: germline.
Comment: This sequence change falls in intron 18 of the EIF2AK4 gene. It does not directly change the encoded amino acid sequence of the EIF2AK4 protein. This variant is present in population databases (rs200315063, gnomAD 0.004%). This variant has not been reported in the literature in individuals affected with EIF2AK4-related conditions. Algorithms developed to predict the effect of sequence changes on RNA splicing suggest that this variant may disrupt the consensus splice site. In summary, the available evidence is currently insufficient to determine the role of this variant in disease. Therefore, it has been classified as a Variant of Uncertain Significance.